The following is an entry in ClinVar:

ClinVar aggregate classification (germline): Uncertain significance (1 of 4 stars; one submission).

Allele frequency attached by ClinVar (database versions not stated): ExAC 0.00001; TOPMed 0.00001; gnomAD exomes 0.00002.

Submission:

Labcorp Genetics (formerly Invitae), Labcorp
Classification: Uncertain significance. Last evaluated: 2023-08-14. Review status: criteria provided, single submitter. Criteria: Invitae Variant Classification Sherloc (09022015). Collection method: clinical testing. Allele origin: germline.
Comment: ClinVar contains an entry for this variant (Variation ID: 1904893). This sequence change affects the initiator methionine of the KRT17 mRNA. The next in-frame methionine is located at codon 88. This variant is present in population databases (rs760546497, gnomAD 0.007%). This variant has not been reported in the literature in individuals affected with KRT17-related conditions. In summary, the available evidence is currently insufficient to determine the role of this variant in disease. Therefore, it has been classified as a Variant of Uncertain Significance.

NM_000422.3(KRT17):c.2T>C (p.Met1Thr)

Gene: KRT17 (keratin 17; minus strand). Cytogenetic location: 17q21.2.
Variant type: single nucleotide variant.
Coding change: c.2T>C on transcript NM_000422.3 (MANE Select); coding-DNA position 2, T replaced by C.
Protein change: p.Met1Thr; changes the start codon (methionine 1).
Molecular consequence: missense variant, initiator codon variant.
Genome position (GRCh38, 1-based): chr17:41,624,508, A>G on the plus strand (T>C on the coding strand, the complement: KRT17 is on the minus strand). VCF-style: chr17-41624508-A-G. GRCh37 (hg19) VCF-style: chr17-39780760-A-G.
Other names: short protein forms M1T.
Identifiers: ClinVar variation 1904893 (VCV001904893.6), dbSNP rs760546497, ClinGen allele CA8563889.
Genomic context (GRCh38, chr17:41,624,508, plus strand): 5'-CCCAGGCCGGAGGAGCCCTTGATGGAGCTGGAGGAGGTGAACTGGCGGATGGAGGTGGTC[A>G]TGGTGGCGGCGGCAGGAGGCAGGCACACAGGAGAAGGGCTGGAGAGGAGAGGGGCCCCAA-3'
Protein context (NP_000413.1, residues 1-11): [Met1Thr]TTSIRQFTSS